The following is an entry in ClinVar:

NM_031935.3(HMCN1):c.10949C>T (p.Pro3650Leu)

Gene: HMCN1 (hemicentin 1; plus strand). Cytogenetic location: 1q31.1.
Variant type: single nucleotide variant.
Coding change: c.10949C>T on transcript NM_031935.3 (MANE Select); coding-DNA position 10949, C replaced by T.
Protein change: p.Pro3650Leu; replaces proline 3650 with leucine.
Molecular consequence: missense variant.
Genome position (GRCh38, 1-based): chr1:186,108,557, C>T. VCF-style: chr1-186108557-C-T. GRCh37 (hg19) VCF-style: chr1-186077689-C-T.
Other names: c.10949C>T (NM_031935.2); short protein forms P3650L.
Identifiers: ClinVar variation 2168160 (VCV002168160.5), dbSNP rs748088125, ClinGen allele CA1293866.

ClinVar aggregate classification (germline): Uncertain significance. Review status: criteria provided, multiple submitters, no conflicts (2 of 4 stars). 2 submissions from 2 submitters: Uncertain significance (2). Last evaluated 2025-03-10.

Allele frequency attached by ClinVar (database versions not stated): gnomAD exomes below 0.00001; ExAC 0.00001; TOPMed 0.00001.
gnomAD v4.1: 5 of 1,614,108 alleles (0.00031%); highest among the groups gnomAD compares: Non-Finnish European, 0.00034%; no homozygotes.

Submissions (2):

Labcorp Genetics (formerly Invitae), Labcorp
Classification: Uncertain significance. Last evaluated: 2025-03-10. Review status: criteria provided, single submitter. Criteria: Invitae Variant Classification Sherloc (09022015). Collection method: clinical testing. Allele origin: germline.
Comment: This sequence change replaces proline, which is neutral and non-polar, with leucine, which is neutral and non-polar, at codon 3650 of the HMCN1 protein (p.Pro3650Leu). This variant is present in population databases (rs748088125, gnomAD 0.002%). This variant has not been reported in the literature in individuals affected with HMCN1-related conditions. ClinVar contains an entry for this variant (Variation ID: 2168160). An algorithm developed to predict the effect of missense changes on protein structure and function (PolyPhen-2) suggests that this variant is likely to be disruptive. In summary, the available evidence is currently insufficient to determine the role of this variant in disease. Therefore, it has been classified as a Variant of Uncertain Significance.

Ambry Genetics
Classification: Uncertain significance. Last evaluated: 2024-05-29. Review status: criteria provided, single submitter. Criteria: Ambry Variant Classification Scheme 2023. Collection method: clinical testing. Allele origin: germline.